The following is an entry in ClinVar:

NM_001291415.2(KDM6A):c.4088T>A (p.Ile1363Asn)

Gene: KDM6A (lysine demethylase 6A; plus strand). Cytogenetic location: Xp11.3.
Variant type: single nucleotide variant.
Coding change: c.4088T>A on transcript NM_001291415.2 (MANE Select); coding-DNA position 4088, T replaced by A.
Protein change: p.Ile1363Asn; replaces isoleucine 1363 with asparagine.
Molecular consequence: missense variant. On other transcripts: non-coding transcript variant (1).
Genome position (GRCh38, 1-based): chrX:45,107,463, T>A. VCF-style: chrX-45107463-T-A. GRCh37 (hg19) VCF-style: chrX-44966708-T-A.
Other names: c.3953T>A, p.Ile1318Asn (NM_001291416.2); c.3797T>A, p.Ile1266Asn (NM_001291417.2); c.3695T>A, p.Ile1232Asn (NM_001291418.2); c.3044T>A, p.Ile1015Asn (NM_001291421.2); c.3932T>A, p.Ile1311Asn (NM_021140.4); short protein forms I1015N, I1232N, I1266N, I1311N, I1318N, I1363N.
Identifiers: ClinVar variation 1307614 (VCV001307614.6), dbSNP rs763097875, ClinGen allele CA412774791.

ClinVar aggregate classification (germline): Uncertain significance. Review status: criteria provided, multiple submitters, no conflicts (2 of 4 stars). 3 submissions from 3 submitters: Uncertain significance (3). Last evaluated 2025-08-23.

Conditions:
Inborn genetic diseases. Identifiers: MedGen C0950123, MeSH D030342.
Kabuki syndrome 2 (KABUK2). Also called: KDM6A-Related Kabuki Syndrome. Identifiers: Orphanet 2322, MedGen C3275495, MONDO:0010465, OMIM 300867.

Submissions (3):

Ambry Genetics
Classification: Uncertain significance for Inborn genetic diseases. Last evaluated: 2025-08-23. Review status: criteria provided, single submitter. Criteria: Ambry Variant Classification Scheme 2023. Collection method: clinical testing. Allele origin: germline.

Labcorp Genetics (formerly Invitae), Labcorp
Classification: Uncertain significance for Kabuki syndrome 2. Last evaluated: 2023-06-24. Review status: criteria provided, single submitter. Criteria: Invitae Variant Classification Sherloc (09022015). Collection method: clinical testing. Allele origin: germline.
Comment: In summary, the available evidence is currently insufficient to determine the role of this variant in disease. Therefore, it has been classified as a Variant of Uncertain Significance. Advanced modeling of protein sequence and biophysical properties (such as structural, functional, and spatial information, amino acid conservation, physicochemical variation, residue mobility, and thermodynamic stability) performed at Invitae indicates that this missense variant is not expected to disrupt KDM6A protein function. ClinVar contains an entry for this variant (Variation ID: 1307614). This variant has not been reported in the literature in individuals affected with KDM6A-related conditions. This variant is present in population databases (no rsID available, gnomAD no frequency). This sequence change replaces isoleucine, which is neutral and non-polar, with asparagine, which is neutral and polar, at codon 1311 of the KDM6A protein (p.Ile1311Asn).

GeneDx
Classification: Uncertain significance. Last evaluated: 2019-08-14. Review status: criteria provided, single submitter. Criteria: GeneDx Variant Classification Process June 2021. Collection method: clinical testing. Allele origin: germline. Affected: yes.
Comment: In silico analysis, which includes protein predictors and evolutionary conservation, supports a deleterious effect; Has not been previously published as pathogenic or benign to our knowledge